The following is an entry in ClinVar:

ClinVar aggregate classification (germline): Likely pathogenic. Review status: criteria provided, multiple submitters, no conflicts (2 of 4 stars). 2 submissions from 2 submitters: Likely pathogenic (2). Last evaluated 2022-12-01.

Conditions:
Hereditary cancer-predisposing syndrome. Also called: Neoplastic Syndromes, Hereditary; Hereditary Cancer Syndrome; Tumor predisposition; Hereditary neoplastic syndrome. Identifiers: Orphanet 140162, MedGen C0027672, MeSH D009386, MONDO:0015356.
Isolated focal cortical dysplasia type II (FCORD2). Also called: Focal cortical dysplasia type II; CORTICAL DYSPLASIA OF TAYLOR. Identifiers: Orphanet 268994, MedGen C1846385, MONDO:0011818, OMIM 607341, HP:0032051.

Submissions (2):

Ambry Genetics
Classification: Likely pathogenic for Hereditary cancer-predisposing syndrome. Last evaluated: 2022-12-01. Review status: criteria provided, single submitter. Criteria: Ambry Variant Classification Scheme 2023. Collection method: clinical testing. Allele origin: germline.
Comment: The c.35_69del35 variant, located in coding exon 1 of the TSC1 gene, results from a deletion of 35 nucleotides at nucleotide positions 35 to 69, causing a translational frameshift with a predicted alternate stop codon (p.A12Gfs*7). The predicted stop codon occurs in the 5&rsquo; end of theTSC1 gene. Premature termination codons in the 5&rsquo; end of a gene have been reported to escape nonsense-mediated mRNAdecay and/or lead to re-initiation (Rivas et al. Science. 2015 May 8;348(6235):666-9; Lindeboom et al. Nat Genet. 2016 Oct;48(10):1112-8; Rhee et al. Sci Rep. 2017 May 10;7(1):1653). Direct evidence for this alteration is unavailable; however, premature termination codons are typically deleterious in nature. This variant is considered to be rare based on population cohorts in the Genome Aggregation Database (gnomAD). Based on the majority of available evidence to date, this variant is likely to be pathogenic.

Baylor Genetics
Classification: Likely pathogenic for Isolated focal cortical dysplasia type II. Last evaluated: 2022-09-20. Review status: criteria provided, single submitter. Criteria: ACMG Guidelines, 2015. Collection method: clinical testing. Allele origin: unknown.

NM_000368.5(TSC1):c.35_69del (p.Ala12fs)

Gene: TSC1 (TSC complex subunit 1; minus strand). Cytogenetic location: 9q34.13.
Variant type: Deletion.
Coding change: c.35_69del on transcript NM_000368.5 (MANE Select); coding-DNA positions 35 to 69, 35 bases deleted.
Protein change: p.Ala12fs; shifts the reading frame from alanine 12.
Molecular consequence: frameshift variant. On other transcripts: 5 prime UTR variant (16), non-coding transcript variant (5), intron variant (2).
Genome position (GRCh38, 1-based): chr9:132,928,804-132,928,838, 35 bases deleted. GRCh37 (hg19): chr9:135,804,191-135,804,225.
Other names: c.35_69del, p.Ala12fs (NM_001162426.2, NM_001162427.2, NM_001406592.1 and 21 more transcripts); c.-225_-191del (NM_001362177.2, NM_001406617.1, NM_001406619.1 and 3 more transcripts); c.-317_-283del (NM_001406614.1); c.-454_-420del (NM_001406615.1, NM_001406623.1); c.-421_-387del (NM_001406616.1, NM_001406624.1); c.-843_-809del (NM_001406626.1, NM_001406627.1, NM_001406628.1); c.-985_-951del (NM_001406629.1); c.-1059_-1025del (NM_001406630.1); and 1 more; short protein forms A12fs.
Identifiers: ClinVar variation 2447866 (VCV002447866.3), dbSNP rs2539143887, ClinGen allele CA2580079910.